The following is an entry in ClinVar:

ClinVar aggregate classification (germline): Uncertain significance (1 of 4 stars; one submission).

Conditions:
Hereditary cancer-predisposing syndrome. Also called: Hereditary Cancer Syndrome; Hereditary neoplastic syndrome; Neoplastic Syndromes, Hereditary; Tumor predisposition. Identifiers: Orphanet 140162, MedGen C0027672, MeSH D009386, MONDO:0015356.

Submission:

Ambry Genetics
Classification: Uncertain significance for Hereditary cancer-predisposing syndrome. Last evaluated: 2025-08-10. Review status: criteria provided, single submitter. Criteria: Ambry Variant Classification Scheme 2023. Collection method: clinical testing. Allele origin: germline.
Comment: The p.V902M variant (also known as c.2704G>A), located in coding exon 23 of the EGFR gene, results from a G to A substitution at nucleotide position 2704. The valine at codon 902 is replaced by methionine, an amino acid with highly similar properties. This amino acid position is conserved. In addition, this alteration is predicted to be deleterious by in silico analysis. Based on the available evidence, the clinical significance of this variant remains unclear.

NM_005228.5(EGFR):c.2704G>A (p.Val902Met)

Gene: EGFR (epidermal growth factor receptor; plus strand). Cytogenetic location: 7p11.2.
Variant type: single nucleotide variant.
Coding change: c.2704G>A on transcript NM_005228.5 (MANE Select); coding-DNA position 2704, G replaced by A.
Protein change: p.Val902Met; replaces valine 902 with methionine.
Molecular consequence: missense variant.
Genome position (GRCh38, 1-based): chr7:55,198,719, G>A. VCF-style: chr7-55198719-G-A. GRCh37 (hg19) VCF-style: chr7-55266412-G-A.
Other names: c.2569G>A, p.Val857Met (NM_001346897.2, NM_001346899.2); c.2704G>A, p.Val902Met (NM_001346898.2); c.2545G>A, p.Val849Met (NM_001346900.2); c.1903G>A, p.Val635Met (NM_001346941.2); short protein forms V849M, V857M, V902M, V635M.
Identifiers: ClinVar variation 4247345 (VCV004247345.1).
Genomic context (GRCh38, chr7:55,198,719, plus strand): 5'-GGATTGTGATTGTTCATTCATGATCCCACTGCCTTCTTTTCTTGCTTCATCCTCTCAGGG[G>A]TGACTGTTTGGGAGTTGATGACCTTTGGATCCAAGCCATATGACGGAATCCCTGCCAGCG-3'
Protein context (NP_005219.2, residues 892-912): THQSDVWSYG[Val902Met]TVWELMTFGS